The following is an entry in ClinVar:

NM_014244.5(ADAMTS2):c.95_96insAGCAG (p.Pro33fs)

Gene: ADAMTS2 (ADAM metallopeptidase with thrombospondin type 1 motif 2; minus strand). Cytogenetic location: 5q35.3.
Variant type: Insertion.
Coding change: c.95_96insAGCAG on transcript NM_014244.5 (MANE Select); coding-DNA positions 95 to 96, AGCAG inserted.
Protein change: p.Pro33fs; shifts the reading frame from proline 33.
Molecular consequence: frameshift variant.
Genome position: GRCh38 VCF-style: chr5-179345233-C-CCTGCT. GRCh37 (hg19) VCF-style: chr5-178772234-C-CCTGCT.
Other names: c.95_96insAGCAG, p.Pro33fs (NM_021599.4); short protein forms P33fs.
Identifiers: ClinVar variation 5010519 (VCV005010519.1).

ClinVar aggregate classification (germline): Pathogenic (1 of 4 stars; one submission).

Conditions:
Ehlers-Danlos syndrome, dermatosparaxis type. Also called: EDS VIIC; Dermatosparaxis; Ehlers-Danlos syndrome, type VII, autosomal recessive. Identifiers: Orphanet 1901, MedGen C2700425, MONDO:0009161, OMIM 225410.

Submission:

Myriad Genetics, Inc.
Classification: Pathogenic for Ehlers-Danlos syndrome, dermatosparaxis type. Last evaluated: 2024-05-14. Review status: criteria provided, single submitter. Criteria: Myriad Autosomal Dominant, Autosomal Recessive and X-Linked Classification Criteria (2023). Collection method: clinical testing. Allele origin: unknown.
Comment: NM_014244.4(ADAMTS2):c.95_96ins5(P33Afs*134) is expected to be pathogenic in the context of Ehlers-Danlos syndrome, ADAMTS2-related. This variant is predicted to lead to an abnormal or absent protein product due to the creation of a premature termination codon in ADAMTS2, a gene where loss-of-function variants are known to be pathogenic. Please note: this variant was assessed in the context of healthy population screening.